The following is an entry in ClinVar:

ClinVar aggregate classification (germline): Uncertain significance (1 of 4 stars; one submission).

Conditions:
Hereditary cancer-predisposing syndrome. Also called: Neoplastic Syndromes, Hereditary; Tumor predisposition; Hereditary Cancer Syndrome; Hereditary neoplastic syndrome. Identifiers: Orphanet 140162, MedGen C0027672, MeSH D009386, MONDO:0015356.

Submission:

Ambry Genetics
Classification: Uncertain significance for Hereditary cancer-predisposing syndrome. Last evaluated: 2026-04-12. Review status: criteria provided, single submitter. Criteria: Ambry Variant Classification Scheme 2023. Collection method: clinical testing. Allele origin: germline.
Comment: The p.L84S variant (also known as c.251T>C), located in coding exon 3 of the BRIP1 gene, results from a T to C substitution at nucleotide position 251. The leucine at codon 84 is replaced by serine, an amino acid with dissimilar properties. This amino acid position is conserved. In addition, this alteration is predicted to be tolerated by in silico analysis. Based on the available evidence, the clinical significance of this variant remains unclear.

NM_032043.3(BRIP1):c.251T>C (p.Leu84Ser)

Gene: BRIP1 (BRCA1 interacting DNA helicase 1; minus strand). Cytogenetic location: 17q23.2.
Variant type: single nucleotide variant.
Coding change: c.251T>C on transcript NM_032043.3 (MANE Select); coding-DNA position 251, T replaced by C.
Protein change: p.Leu84Ser; replaces leucine 84 with serine.
Molecular consequence: missense variant.
Genome position (GRCh38, 1-based): chr17:61,857,186, A>G on the plus strand (T>C on the coding strand, the complement: BRIP1 is on the minus strand). VCF-style: chr17-61857186-A-G. GRCh37 (hg19) VCF-style: chr17-59934547-A-G.
Other names: short protein forms L84S.
Identifiers: ClinVar variation 4867917 (VCV004867917.1).